The following is an entry in ClinVar:

ClinVar aggregate classification (germline): Uncertain significance (1 of 4 stars; one submission).

Allele frequency attached by ClinVar (database versions not stated): gnomAD exomes below 0.00001; TOPMed below 0.00001; ExAC 0.00001.
gnomAD v4.1: 1 of 1,609,458 alleles (0.000062%); no homozygotes.

Submission:

Labcorp Genetics (formerly Invitae), Labcorp
Classification: Uncertain significance. Last evaluated: 2022-08-21. Review status: criteria provided, single submitter. Criteria: Invitae Variant Classification Sherloc (09022015). Collection method: clinical testing. Allele origin: germline.
Comment: In summary, the available evidence is currently insufficient to determine the role of this variant in disease. Therefore, it has been classified as a Variant of Uncertain Significance. Algorithms developed to predict the effect of missense changes on protein structure and function are either unavailable or do not agree on the potential impact of this missense change (SIFT: "Deleterious"; PolyPhen-2: "Not Available"; Align-GVGD: "Class C35"). This variant has not been reported in the literature in individuals affected with CLTC-related conditions. The frequency data for this variant in the population databases is considered unreliable, as metrics indicate poor data quality at this position in the gnomAD database. This sequence change replaces arginine, which is basic and polar, with glutamine, which is neutral and polar, at codon 954 of the CLTC protein (p.Arg954Gln).

NM_004859.4(CLTC):c.2849G>A (p.Arg950Gln)

Gene: CLTC (clathrin heavy chain; plus strand). Cytogenetic location: 17q23.1.
Variant type: single nucleotide variant.
Coding change: c.2849G>A on transcript NM_004859.4 (MANE Select); coding-DNA position 2849, G replaced by A.
Protein change: p.Arg950Gln; replaces arginine 950 with glutamine.
Molecular consequence: missense variant.
Genome position (GRCh38, 1-based): chr17:59,679,449, G>A. VCF-style: chr17-59679449-G-A. GRCh37 (hg19) VCF-style: chr17-57756810-G-A.
Other names: c.2861G>A, p.Arg954Gln (NM_001288653.2); short protein forms R950Q, R954Q.
Identifiers: ClinVar variation 1955492 (VCV001955492.5), dbSNP rs747671478, ClinGen allele CA8681478.
Genomic context (GRCh38, chr17:59,679,449, plus strand): 5'-TTCTTTAGGTTTGCAATGAGAATTCCCTCTTCAAAAGTCTTTCTCGCTACCTGGTACGTC[G>A]AAAGGATCCAGAATTGTGGGGCAGCGTGCTGCTGGAAAGCAATCCTTACAGGAGACCCCT-3'
Protein context (NP_004850.1, residues 940-960): FKSLSRYLVR[Arg950Gln]KDPELWGSVL